The following is an entry in ClinVar:

ClinVar aggregate classification (germline): Uncertain significance (1 of 4 stars; one submission).

Submission:

Women's Health and Genetics/Laboratory Corporation of America, LabCorp
Classification: Uncertain significance. Last evaluated: 2026-03-02. Review status: criteria provided, single submitter. Criteria: LabCorp Variant Classification Summary - May 2015. Collection method: clinical testing. Allele origin: germline.
Comment: Variant summary: ZNF469 c.11681C>A (p.Ala3894Asp) results in a non-conservative amino acid change in the encoded protein sequence. Algorithms developed to predict the effect of missense changes on protein structure and function are either unavailable or do not agree on the potential impact of this missense change. The variant was absent in 153780 control chromosomes. The available data on variant occurrences in the general population are insufficient to allow any conclusion about variant significance. To our knowledge, no occurrence of c.11681C>A in individuals affected with ZNF469-related conditions and no experimental evidence demonstrating its impact on protein function have been reported. No submitters have cited clinical-significance assessments for this variant to ClinVar. Based on the evidence outlined above, the variant was classified as uncertain significance.

NM_001367624.2(ZNF469):c.11681C>A (p.Ala3894Asp)

Gene: ZNF469 (zinc finger protein 469; plus strand). Cytogenetic location: 16q24.2.
Variant type: single nucleotide variant.
Coding change: c.11681C>A on transcript NM_001367624.2 (MANE Select); coding-DNA position 11681, C replaced by A.
Protein change: p.Ala3894Asp; replaces alanine 3894 with aspartic acid.
Molecular consequence: missense variant.
Genome position (GRCh38, 1-based): chr16:88,439,151, C>A. VCF-style: chr16-88439151-C-A. GRCh37 (hg19) VCF-style: chr16-88505559-C-A.
Other names: short protein forms A3894D.
Identifiers: ClinVar variation 4847579 (VCV004847579.1).